The following is an entry in ClinVar:

ClinVar aggregate classification (germline): Uncertain significance. Review status: criteria provided, multiple submitters, no conflicts (2 of 4 stars). 2 submissions from 2 submitters: Uncertain significance (2). Last evaluated 2024-01-03.

Conditions:
Inborn genetic diseases. Identifiers: MedGen C0950123, MeSH D030342.

Allele frequency attached by ClinVar (database versions not stated): gnomAD exomes below 0.00001 and 0.00002; TOPMed 0.00002; gnomAD 0.00003.
gnomAD v4.1: 27 of 1,613,364 alleles (0.0017%); highest among the groups gnomAD compares: Non-Finnish European, 0.0022%; no homozygotes.

Submissions (2):

Ambry Genetics
Classification: Uncertain significance for Inborn genetic diseases. Last evaluated: 2024-01-03. Review status: criteria provided, single submitter. Criteria: Ambry Variant Classification Scheme 2023. Collection method: clinical testing. Allele origin: germline.

Labcorp Genetics (formerly Invitae), Labcorp
Classification: Uncertain significance. Last evaluated: 2021-09-04. Review status: criteria provided, single submitter. Criteria: Invitae Variant Classification Sherloc (09022015). Collection method: clinical testing. Allele origin: germline.
Comment: This variant is not present in population databases (ExAC no frequency). In summary, the available evidence is currently insufficient to determine the role of this variant in disease. Therefore, it has been classified as a Variant of Uncertain Significance. Algorithms developed to predict the effect of missense changes on protein structure and function output the following: SIFT: "Tolerated"; PolyPhen-2: "Benign"; Align-GVGD: "Class C0". The arginine amino acid residue is found in multiple mammalian species, suggesting that this missense change does not adversely affect protein function. These predictions have not been confirmed by published functional studies and their clinical significance is uncertain. This variant has not been reported in the literature in individuals with P4HB-related conditions. This sequence change replaces lysine with arginine at codon 505 of the P4HB protein (p.Lys505Arg). The lysine residue is moderately conserved and there is a small physicochemical difference between lysine and arginine.

NM_000918.4(P4HB):c.1514A>G (p.Lys505Arg)

Gene: P4HB (prolyl 4-hydroxylase subunit beta; minus strand). Cytogenetic location: 17q25.3.
Variant type: single nucleotide variant.
Coding change: c.1514A>G on transcript NM_000918.4 (MANE Select); coding-DNA position 1514, A replaced by G.
Protein change: p.Lys505Arg; replaces lysine 505 with arginine.
Molecular consequence: missense variant.
Genome position (GRCh38, 1-based): chr17:81,844,025, T>C on the plus strand (A>G on the coding strand, the complement: P4HB is on the minus strand). VCF-style: chr17-81844025-T-C. GRCh37 (hg19) VCF-style: chr17-79801901-T-C.
Other names: c.1514A>G (NM_000918.3); short protein forms K505R.
Identifiers: ClinVar variation 1508422 (VCV001508422.9), dbSNP rs201852386, ClinGen allele CA295117689.